The following is an entry in ClinVar:

ClinVar aggregate classification (germline): Uncertain significance. Review status: criteria provided, multiple submitters, no conflicts (2 of 4 stars). 6 submissions from 6 submitters: Uncertain significance (6). Last evaluated 2026-08-07.

Conditions:
Hypercalcemia, infantile, 1 (HCINF1). Identifiers: Orphanet 300547, MedGen CN031131, MONDO:0020739, OMIM 143880.
CYP24A1-related disorder. Also called: CYP24A1-related condition.
Inborn genetic diseases. Identifiers: MedGen C0950123, MeSH D030342.

Allele frequency attached by ClinVar (database versions not stated): gnomAD 0.00006; TOPMed 0.00006; 1000 Genomes Project 30x 0.00016; 1000 Genomes Project 0.00020.
gnomAD v4.1: 99 of 1,564,606 alleles (0.0063%); highest among the groups gnomAD compares: East Asian, 0.031%; 3 homozygotes.

Submissions (6):

PreventionGenetics, part of Exact Sciences
Classification: Uncertain significance for CYP24A1-related condition. Last evaluated: 2026-08-07. Review status: criteria provided, single submitter. Criteria: ACMG Guidelines, 2015. Collection method: clinical testing. Allele origin: germline.
Comment: The CYP24A1 c.101C>T variant is predicted to result in the amino acid substitution p.Thr34Met. To our knowledge, this variant has not been reported in the literature. This variant is reported in 0.028% of alleles in individuals of East Asian descent in gnomAD. At this time, the clinical significance of this variant is uncertain due to the absence of conclusive functional and genetic evidence.

Labcorp Genetics (formerly Invitae), Labcorp
Classification: Uncertain significance. Last evaluated: 2024-06-03. Review status: criteria provided, single submitter. Criteria: Invitae Variant Classification Sherloc (09022015). Collection method: clinical testing. Allele origin: germline.
Comment: This sequence change replaces threonine, which is neutral and polar, with methionine, which is neutral and non-polar, at codon 34 of the CYP24A1 protein (p.Thr34Met). This variant is present in population databases (rs550482750, gnomAD 0.03%). This variant has not been reported in the literature in individuals affected with CYP24A1-related conditions. ClinVar contains an entry for this variant (Variation ID: 338838). Advanced modeling of protein sequence and biophysical properties (such as structural, functional, and spatial information, amino acid conservation, physicochemical variation, residue mobility, and thermodynamic stability) has been performed at Invitae for this missense variant, however the output from this modeling did not meet the statistical confidence thresholds required to predict the impact of this variant on CYP24A1 protein function. In summary, the available evidence is currently insufficient to determine the role of this variant in disease. Therefore, it has been classified as a Variant of Uncertain Significance.

Ambry Genetics
Classification: Uncertain significance for Inborn genetic diseases. Last evaluated: 2024-05-13. Review status: criteria provided, single submitter. Criteria: Ambry Variant Classification Scheme 2023. Collection method: clinical testing. Allele origin: germline.

Mayo Clinic Laboratories, Mayo Clinic
Classification: Uncertain significance. Last evaluated: 2023-04-10. Review status: criteria provided, single submitter. Criteria: ACMG Guidelines, 2015. Collection method: clinical testing. Allele origin: germline. Observed: 1 variant allele.
Comment: BP4

Fulgent Genetics
Classification: Uncertain significance for Hypercalcemia, infantile, 1. Last evaluated: 2022-04-10. Review status: criteria provided, single submitter. Criteria: ACMG Guidelines, 2015. Collection method: clinical testing. Allele origin: unknown.

Illumina Laboratory Services, Illumina
Classification: Uncertain significance for Hypercalcemia, infantile, 1. Last evaluated: 2018-01-13. Review status: criteria provided, single submitter. Criteria: ICSL Variant Classification Criteria 13 December 2019. Collection method: clinical testing. Allele origin: germline.

NM_000782.5(CYP24A1):c.101C>T (p.Thr34Met)

Gene: CYP24A1 (cytochrome P450 family 24 subfamily A member 1; minus strand). Cytogenetic location: 20q13.2.
Variant type: single nucleotide variant.
Coding change: c.101C>T on transcript NM_000782.5 (MANE Select); coding-DNA position 101, C replaced by T.
Protein change: p.Thr34Met; replaces threonine 34 with methionine.
Molecular consequence: missense variant.
Genome position (GRCh38, 1-based): chr20:54,173,479, G>A on the plus strand (C>T on the coding strand, the complement: CYP24A1 is on the minus strand). VCF-style: chr20-54173479-G-A. GRCh37 (hg19) VCF-style: chr20-52790018-G-A.
Other names: p.Thr34Met; c.101C>T, p.Thr34Met (NM_001128915.2); short protein forms T34M.
Identifiers: ClinVar variation 338838 (VCV000338838.13), dbSNP rs550482750, ClinGen allele CA9916274.